The following is an entry in ClinVar:

NM_000548.5(TSC2):c.3826TCC[1] (p.Ser1277del)

Gene: TSC2 (TSC complex subunit 2; plus strand). Cytogenetic location: 16p13.3.
Variant type: Microsatellite.
Coding change: c.3826TCC[1] on transcript NM_000548.5 (MANE Select); one copy of the 3-base unit TCC starting at c.3826; the reference has two copies in a row; one copy, 3 bases deleted; also written c.3829_3831del.
Protein change: p.Ser1277del; deletes serine 1277.
Molecular consequence: inframe deletion. On other transcripts: inframe indel (2), non-coding transcript variant (1), intron variant (33).
Genome position (GRCh38, 1-based): chr16:2,082,450-2,082,452, TCC deleted; deleting any 3 consecutive bases within chr16:2,082,446-2,082,452 gives the same sequence; the position shown is the placement nearest the transcript's 3' end. VCF-style (leftmost placement, unchanged base first): chr16-2082445-TCTC-T. GRCh37 (hg19) VCF-style: chr16-2132446-TCTC-T.
Other names: c.3826_3828TCC[1], p.Ser1277del (NM_000548.3); c.3094TCC[1], p.Ser1033del (NM_001318831.2); c.3694TCC[1], p.Ser1233del (NM_001370404.1, NM_001406665.1); c.3697TCC[1], p.Ser1234del (NM_001370405.1, NM_021055.3); c.3823TCC[1], p.Ser1276del (NM_001406663.1); c.3226TCC[1], p.Ser1077del (NM_001406680.1); c.2353TCC[1], p.Ser786del (NM_001406690.1); c.2350TCC[1], p.Ser785del (NM_001406691.1); and 27 more; short protein forms S1033del, S1077del, S1233del, S1234del, S1276del, S1277del, S785del, S786del.
Identifiers: ClinVar variation 3253295 (VCV003253295.1), dbSNP rs2544189553.

ClinVar aggregate classification (germline): Uncertain significance (1 of 4 stars; one submission).

Submission:

GeneDx
Classification: Uncertain significance. Last evaluated: 2023-10-10. Review status: criteria provided, single submitter. Criteria: GeneDx Variant Classification Process June 2021. Collection method: clinical testing. Allele origin: germline. Affected: yes.
Comment: In-frame deletion of 1 amino acid in a non-repeat region; In silico analysis supports a deleterious effect on protein structure/function; Not observed at significant frequency in large population cohorts (gnomAD); Has not been previously published as pathogenic or benign to our knowledge